The following is an entry in ClinVar:

NM_001378615.1(CC2D2A):c.2146C>T (p.Gln716Ter)

Genes: CC2D2A (coiled-coil and C2 domain containing 2A; plus strand), FBXL5 (F-box and leucine rich repeat protein 5; minus strand). Cytogenetic location: 4p15.32.
Variant type: single nucleotide variant.
Coding change: c.2146C>T on transcript NM_001378615.1 (MANE Select); coding-DNA position 2146, C replaced by T.
Protein change: p.Gln716Ter; replaces glutamine 716 with a stop codon.
Molecular consequence: nonsense.
Genome position (GRCh38, 1-based): chr4:15,540,979, C>T. VCF-style: chr4-15540979-C-T. GRCh37 (hg19) VCF-style: chr4-15542602-C-T.
Other names: c.2146C>T, p.Gln716Ter (NM_001080522.2); c.1999C>T, p.Gln667Ter (NM_001378617.1); short protein forms Q667*, Q716*.
Identifiers: ClinVar variation 2954249 (VCV002954249.3), dbSNP rs2474988519, ClinGen allele CA356414016.

ClinVar aggregate classification (germline): Pathogenic (1 of 4 stars; one submission).

Conditions:
Joubert syndrome. Also called: JOUBERT-BOLTSHAUSER SYNDROME; Familial aplasia of the vermis. Identifiers: Orphanet 475, MedGen C5979921, MONDO:0018772.
Meckel-Gruber syndrome. Also called: DYSENCEPHALIA SPLANCHNOCYSTICA; GRUBER SYNDROME; Dysencephalia splachnocystica. Identifiers: Orphanet 564, MedGen C0265215, MONDO:0018921.

Submission:

Labcorp Genetics (formerly Invitae), Labcorp
Classification: Pathogenic for Joubert syndrome; Meckel-Gruber syndrome. Last evaluated: 2024-01-25. Review status: criteria provided, single submitter. Criteria: Invitae Variant Classification Sherloc (09022015). Collection method: clinical testing. Allele origin: germline.
Comment: This sequence change creates a premature translational stop signal (p.Gln716*) in the CC2D2A gene. It is expected to result in an absent or disrupted protein product. Loss-of-function variants in CC2D2A are known to be pathogenic (PMID: 19777577). This variant is not present in population databases (gnomAD no frequency). This variant has not been reported in the literature in individuals affected with CC2D2A-related conditions. For these reasons, this variant has been classified as Pathogenic.

Literature cited by the submitters: PubMed 19777577.